The following is an entry in ClinVar:

ClinVar aggregate classification (germline): Likely pathogenic (1 of 4 stars; one submission).

Submission:

CeGaT Center for Human Genetics Tuebingen
Classification: Likely pathogenic. Last evaluated: 2022-11-01. Review status: criteria provided, single submitter. Criteria: CeGaT Center For Human Genetics Tuebingen Variant Classification Criteria Version 2. Collection method: clinical testing. Allele origin: germline. Affected: yes. Observed: 1 variant allele.
Comment: KPNA3: PS2, PM2, PP2, PP3

NM_002267.4(KPNA3):c.656A>G (p.Asn219Ser)

Gene: KPNA3 (karyopherin subunit alpha 3; minus strand). Cytogenetic location: 13q14.2.
Variant type: single nucleotide variant.
Coding change: c.656A>G on transcript NM_002267.4 (MANE Select); coding-DNA position 656, A replaced by G.
Protein change: p.Asn219Ser; replaces asparagine 219 with serine.
Molecular consequence: missense variant.
Genome position (GRCh38, 1-based): chr13:49,722,025, T>C on the plus strand (A>G on the coding strand, the complement: KPNA3 is on the minus strand). VCF-style: chr13-49722025-T-C. GRCh37 (hg19) VCF-style: chr13-50296161-T-C.
Other names: short protein forms N219S.
Identifiers: ClinVar variation 1879259 (VCV001879259.29), dbSNP rs2541647390, ClinGen allele CA388193186.